The following is an entry in ClinVar:

ClinVar aggregate classification (germline): Uncertain significance (1 of 4 stars; one submission).

Submission:

Labcorp Genetics (formerly Invitae), Labcorp
Classification: Uncertain significance. Last evaluated: 2023-06-15. Review status: criteria provided, single submitter. Criteria: Invitae Variant Classification Sherloc (09022015). Collection method: clinical testing. Allele origin: germline.
Comment: This sequence change replaces glycine, which is neutral and non-polar, with alanine, which is neutral and non-polar, at codon 3 of the PLA2G5 protein (p.Gly3Ala). Information on the frequency of this variant in the gnomAD database is not available, as this variant may be reported differently in the database. This variant has not been reported in the literature in individuals affected with PLA2G5-related conditions. An algorithm developed to predict the effect of missense changes on protein structure and function (PolyPhen-2) suggests that this variant is likely to be tolerated. In summary, the available evidence is currently insufficient to determine the role of this variant in disease. Therefore, it has been classified as a Variant of Uncertain Significance.

NM_000929.3(PLA2G5):c.8_9delinsCT (p.Gly3Ala)

Gene: PLA2G5 (phospholipase A2 group V; plus strand). Cytogenetic location: 1p36.13.
Variant type: Indel.
Coding change: c.8_9delinsCT on transcript NM_000929.3 (MANE Select); coding-DNA positions 8 to 9, GC replaced by CT.
Protein change: p.Gly3Ala; replaces glycine 3 with alanine.
Molecular consequence: missense variant.
Genome position (GRCh38, 1-based): chr1:20,084,838-20,084,839, GC replaced by CT. VCF-style: chr1-20084838-GC-CT. GRCh37 (hg19) VCF-style: chr1-20411331-GC-CT.
Other names: short protein forms G3A.
Identifiers: ClinVar variation 2867161 (VCV002867161.3), dbSNP rs2523526408, ClinGen allele CA2739272337.